The following is an entry in ClinVar:

ClinVar aggregate classification (germline): Uncertain significance (1 of 4 stars; one submission).

Conditions:
Dilated cardiomyopathy 1II (CMD1II). Identifiers: Orphanet 154, MedGen C3554649, MONDO:0014073, OMIM 615184.

Submission:

Labcorp Genetics (formerly Invitae), Labcorp
Classification: Uncertain significance for Dilated cardiomyopathy 1II. Last evaluated: 2024-02-17. Review status: criteria provided, single submitter. Criteria: Invitae Variant Classification Sherloc (09022015). Collection method: clinical testing. Allele origin: germline.
Comment: This sequence change replaces proline, which is neutral and non-polar, with leucine, which is neutral and non-polar, at codon 58 of the CRYAB protein (p.Pro58Leu). This variant is not present in population databases (gnomAD no frequency). This variant has not been reported in the literature in individuals affected with CRYAB-related conditions. ClinVar contains an entry for this variant (Variation ID: 2062219). An algorithm developed to predict the effect of missense changes on protein structure and function (PolyPhen-2) suggests that this variant is likely to be disruptive. In summary, the available evidence is currently insufficient to determine the role of this variant in disease. Therefore, it has been classified as a Variant of Uncertain Significance.

NM_001289808.2(CRYAB):c.173C>T (p.Pro58Leu)

Gene: CRYAB (crystallin alpha B; minus strand). Cytogenetic location: 11q23.1.
Variant type: single nucleotide variant.
Coding change: c.173C>T on transcript NM_001289808.2 (MANE Select); coding-DNA position 173, C replaced by T.
Protein change: p.Pro58Leu; replaces proline 58 with leucine.
Molecular consequence: missense variant.
Genome position (GRCh38, 1-based): chr11:111,911,552, G>A on the plus strand (C>T on the coding strand, the complement: CRYAB is on the minus strand). VCF-style: chr11-111911552-G-A. GRCh37 (hg19) VCF-style: chr11-111782276-G-A.
Other names: c.173C>T, p.Pro58Leu (NM_001289807.1, NM_001368245.1, NM_001885.3); short protein forms P58L.
Identifiers: ClinVar variation 2062219 (VCV002062219.4), dbSNP rs1965454605, ClinGen allele CA382600226.